The following is an entry in ClinVar:

ClinVar aggregate classification (germline): Likely benign. Review status: reviewed by expert panel (3 of 4 stars). 7 submissions from 7 submitters: Likely benign (1). 6 of the submissions do not count toward it. Last evaluated 2024-10-22.

Conditions:
Hereditary cancer-predisposing syndrome. Also called: Hereditary neoplastic syndrome; Neoplastic Syndromes, Hereditary; Tumor predisposition; Hereditary Cancer Syndrome. Identifiers: Orphanet 140162, MedGen C0027672, MeSH D009386, MONDO:0015356.
DICER1-related tumor predisposition. Also called: DICER1-related pleuropulmonary blastoma cancer predisposition syndrome; DICER1 syndrome. Identifiers: Orphanet 284343, MedGen C3839822, MONDO:0100216.
Global developmental delay - lung cysts - overgrowth - Wilms tumor syndrome. Also called: GLOW Syndrome; GLOBAL DEVELOPMENTAL DELAY, LUNG CYSTS, OVERGROWTH, AND WILMS TUMOR. Identifiers: Orphanet 404476, MedGen C4748924, MONDO:0018445, OMIM 618272.

Allele frequency attached by ClinVar (database versions not stated): TOPMed 0.00001; gnomAD 0.00001; gnomAD exomes 0.00001.
gnomAD v4.1: 22 of 1,613,880 alleles (0.0014%); highest among the groups gnomAD compares: Admixed American, 0.0017%; no homozygotes.

Submissions (7):

ClinGen DICER1 and miRNA-Processing Gene Variant Curation Expert Panel, ClinGen
Classification: Likely benign for DICER1-related tumor predisposition. Last evaluated: 2024-10-22. Review status: reviewed by expert panel. Criteria: ClinGen DICER1 ACMG Specifications DICER1 V1.3.0. Collection method: curation. Allele origin: germline. Inheritance: Autosomal dominant inheritance.
Comment: The NM_177438.3:c.1430A>G variant in DICER1 is a missense variant predicted to cause substitution of asparagine by serine at amino acid 477 (p.Asn477Ser). This variant has been seen in 10 or more unrelated females without tumors through age 50 in at least one testing laboratory (BS2_Supporting; Internal lab contributors). The total allele frequency in gnomAD v4.1.0 is 0.00001363 (22/1613880 alleles) with a highest population minor allele frequency of 0.00001667 (1/60000 alleles) in the Admixed American population (PM2_Supporting, BS1, and BA1 are not met). This variant does not reside within a region of the RNAse IIIb domain that is defined as a mutational hotspot or critical functional domain by the ClinGen DICER1 VCEP (PM1 not met). In silico tools predict no damaging impact of the variant on protein function (REVEL: 0.293; MaxEntScan and SpliceAI: no effect on splicing) (BP4). In summary, this variant meets the criteria to be classified as Likely Benign for DICER1-related tumor predisposition based on the ACMG/AMP criteria applied, as specified by the ClinGen DICER1 VCEP: BS2_Supporting, BP4. (Bayesian Points: -2; VCEP specifications version 1.3.0; 10/22/2024)

Labcorp Genetics (formerly Invitae), Labcorp
Classification: Likely benign for DICER1-related tumor predisposition. Last evaluated: 2026-02-03. Review status: criteria provided, single submitter. Criteria: Invitae Variant Classification Sherloc (09022015). Collection method: clinical testing. Allele origin: germline. Not counted in ClinVar's aggregate classification.

Hereditary Cancer Group, L’Institut d'Investigació Biomèdica de Bellvitge
Classification: Uncertain significance for Hereditary cancer-predisposing syndrome. Last evaluated: 2024-12-19. Review status: criteria provided, single submitter. Criteria: Hatton et al. (Hum Mutat. 2023). Collection method: clinical testing. Allele origin: germline. Inheritance: Autosomal dominant inheritance. Affected: yes. Not counted in ClinVar's aggregate classification.
Comment: BP4

Quest Diagnostics Nichols Institute San Juan Capistrano
Classification: Uncertain significance. Last evaluated: 2024-10-03. Review status: criteria provided, single submitter. Criteria: Quest Diagnostics criteria. Collection method: clinical testing. Allele origin: unknown. Not counted in ClinVar's aggregate classification.
Comment: The DICER1 c.1430A>G (p.Asn477Ser) variant has been reported in the published literature as a somatic variant in an individual with Wilms tumor (WT) (PMID: 31342592 (2019)). The frequency of this variant in the general population, 0.000008 (2/251352 chromosomes (Genome Aggregation Database)), is uninformative in the assessment of its pathogenicity. Analysis of this variant using bioinformatics tools for the prediction of the effect of amino acid changes on protein structure and function yielded predictions that this variant is damaging. Based on the available information, we are unable to determine the clinical significance of this variant.

Baylor Genetics
Classification: Uncertain significance for Global developmental delay - lung cysts - overgrowth - Wilms tumor syndrome. Last evaluated: 2024-02-23. Review status: criteria provided, single submitter. Criteria: ACMG Guidelines, 2015. Collection method: clinical testing. Allele origin: unknown. Not counted in ClinVar's aggregate classification.

Ambry Genetics
Classification: Likely benign for Hereditary cancer-predisposing syndrome. Last evaluated: 2023-12-10. Review status: criteria provided, single submitter. Criteria: Ambry Variant Classification Scheme 2023. Collection method: clinical testing. Allele origin: germline. Not counted in ClinVar's aggregate classification.

Foulkes Cancer Genetics LDI, Lady Davis Institute for Medical Research
Classification: Uncertain significance. Last evaluated: 2019-07-01. Review status: criteria provided, single submitter. Criteria: ACMG Guidelines, 2015. Collection method: curation. Allele origin: unknown. Affected: yes. Observed: 1 variant allele. Not counted in ClinVar's aggregate classification.
Comment: ACMG criteria met: PM1, PM2, BP1

Literature cited by the submitters: PubMed 31342592 (cited by Quest Diagnostics Nichols Institute San Juan Capistrano); PubMed 28825729 (cited by Foulkes Cancer Genetics LDI, Lady Davis Institute for Medical Research).

NM_177438.3(DICER1):c.1430A>G (p.Asn477Ser)

Gene: DICER1 (dicer 1, ribonuclease III; minus strand). Cytogenetic location: 14q32.13.
Variant type: single nucleotide variant.
Coding change: c.1430A>G on transcript NM_177438.3 (MANE Select); coding-DNA position 1430, A replaced by G.
Protein change: p.Asn477Ser; replaces asparagine 477 with serine.
Molecular consequence: missense variant.
Genome position (GRCh38, 1-based): chr14:95,117,701, T>C on the plus strand (A>G on the coding strand, the complement: DICER1 is on the minus strand). VCF-style: chr14-95117701-T-C. GRCh37 (hg19) VCF-style: chr14-95584038-T-C.
Other names: NM_177438.3(DICER1):c.1430A>G; p.Asn477Ser; c.1430A>G, p.Asn477Ser (NM_001195573.1, NM_001271282.3, NM_001291628.2 and 1 more transcripts); short protein forms N477S.
Identifiers: ClinVar variation 412125 (VCV000412125.22), dbSNP rs1060503630, ClinGen allele CA16614267.
Genomic context (GRCh38, chr14:95,117,701, plus strand): 5'-TCTGCTTCCATCTGTTTGTTGCGAGGCTGATTCTTCCCAATGCCATGTCCAGTTATGAAA[T>C]TGCTACTGATATAAGCCAGCTCTGGATCTTGTTTGCCAGCTTCCTTTATCAATCTAAGAA-3'
Protein context (NP_803187.1, residues 467-487): QDPELAYISS[Asn477Ser]FITGHGIGKN